The following is an entry in ClinVar:

NM_024757.5(EHMT1):c.3676TTC[1] (p.Phe1227del)

Gene: EHMT1 (euchromatic histone lysine methyltransferase 1; plus strand). Cytogenetic location: 9q34.3.
Variant type: Microsatellite.
Coding change: c.3676TTC[1] on transcript NM_024757.5 (MANE Select); one copy of the 3-base unit TTC starting at c.3676; the reference has two copies in a row; one copy, 3 bases deleted; also written c.3679_3681del.
Protein change: p.Phe1227del; deletes phenylalanine 1227.
Molecular consequence: inframe deletion.
Genome position (GRCh38, 1-based): chr9:137,834,487-137,834,489, TTC deleted; deleting any 3 consecutive bases within chr9:137,834,483-137,834,489 gives the same sequence; the position shown is the placement nearest the transcript's 3' end. VCF-style (leftmost placement, unchanged base first): chr9-137834482-CCTT-C. GRCh37 (hg19) VCF-style: chr9-140728934-CCTT-C.
Other names: c.3655TTC[1], p.Phe1220del (NM_001354263.2); c.3679_3681del (NM_024757.4); short protein forms F1220del, F1227del.
Identifiers: ClinVar variation 932416 (VCV000932416.40), dbSNP rs1956459967, ClinGen allele CA1884697365.

ClinVar aggregate classification (germline): Conflicting classifications of pathogenicity. Review status: criteria provided, conflicting classifications (1 of 4 stars). 2 submissions from 2 submitters: Likely pathogenic (1); Uncertain significance (1). Last evaluated 2025-04-28.

Submissions (2):

GeneDx
Classification: Uncertain significance. Last evaluated: 2025-04-28. Review status: criteria provided, single submitter. Criteria: GeneDx Variant Classification Process June 2021. Collection method: clinical testing. Allele origin: germline. Affected: yes.
Comment: In-frame deletion of 1 amino acid(s) in a non-repeat region; Not observed at significant frequency in large population cohorts (gnomAD); Has not been previously published as pathogenic or benign to our knowledge

CeGaT Center for Human Genetics Tuebingen
Classification: Likely pathogenic. Last evaluated: 2020-10-01. Review status: criteria provided, single submitter. Criteria: CeGaT Center For Human Genetics Tuebingen Variant Classification Criteria Version 2. Collection method: clinical testing. Allele origin: germline. Affected: yes. Observed: 1 variant allele.